The following is an entry in ClinVar:

ClinVar aggregate classification (germline): Benign. Review status: criteria provided, multiple submitters, no conflicts (2 of 4 stars). 3 submissions from 3 submitters: Benign (3). Last evaluated 2026-01-30.

Conditions:
Autosomal recessive distal renal tubular acidosis. Identifiers: Orphanet 402041, MedGen C1864498, MONDO:0018440.

Allele frequency attached by ClinVar (database versions not stated): gnomAD exomes 0.00101 and 0.00275; ExAC 0.00334; gnomAD 0.00981 and 0.01050; 1000 Genomes Project 0.01038; TOPMed 0.01100; 1000 Genomes Project 30x 0.01202; ESP Exome Variant Server 0.01307.
gnomAD v4.1: 3,029 of 1,613,780 alleles (0.19%); highest among the groups gnomAD compares: African/African-American, 3.4%; 47 homozygotes.

Submissions (3):

Labcorp Genetics (formerly Invitae), Labcorp
Classification: Benign. Last evaluated: 2026-01-30. Review status: criteria provided, single submitter. Criteria: Invitae Variant Classification Sherloc (09022015). Collection method: clinical testing. Allele origin: germline.

GeneDx
Classification: Benign. Last evaluated: 2021-07-19. Review status: criteria provided, single submitter. Criteria: GeneDx Variant Classification Process June 2021. Collection method: clinical testing. Allele origin: germline. Affected: yes.

Illumina Laboratory Services, Illumina
Classification: Benign for Renal tubular acidosis, distal, 3, with or without sensorineural hearing loss. Last evaluated: 2018-01-12. Review status: criteria provided, single submitter. Criteria: ICSL Variant Classification Criteria 13 December 2019. Collection method: clinical testing. Allele origin: germline.
Comment: This variant was observed in the ICSL laboratory as part of a predisposition screen in an ostensibly healthy population. It had not been previously curated by ICSL or reported in the Human Gene Mutation Database (HGMD: prior to June 1st, 2018), and was therefore a candidate for classification through an automated scoring system. Utilizing variant allele frequency, disease prevalence and penetrance estimates, and inheritance mode, an automated score was calculated to assess if this variant is too frequent to cause the disease. Based on the score and internal cut-off values, a variant classified as benign is not then subjected to further curation. The score for this variant resulted in a classification of benign for this disease.

NM_020632.3(ATP6V0A4):c.1641G>A (p.Leu547=)

Gene: ATP6V0A4 (ATPase H+ transporting V0 subunit a4; minus strand). Cytogenetic location: 7q34.
Variant type: single nucleotide variant.
Coding change: c.1641G>A on transcript NM_020632.3 (MANE Select); coding-DNA position 1641, G replaced by A.
Protein change: p.Leu547=; no amino-acid change (leucine 547 retained).
Molecular consequence: synonymous variant.
Genome position (GRCh38, 1-based): chr7:138,734,186, C>T on the plus strand (G>A on the coding strand, the complement: ATP6V0A4 is on the minus strand). VCF-style: chr7-138734186-C-T. GRCh37 (hg19) VCF-style: chr7-138418931-C-T.
Other names: c.1641G>A, p.Leu547= (NM_130840.3, NM_130841.3).
Identifiers: ClinVar variation 359015 (VCV000359015.16), dbSNP rs61747675, ClinGen allele CA4504696.